The following is an entry in ClinVar:

NM_006361.6(HOXB13):c.479A>T (p.His160Leu)

Gene: HOXB13 (homeobox B13; minus strand). Cytogenetic location: 17q21.32.
Variant type: single nucleotide variant.
Coding change: c.479A>T on transcript NM_006361.6 (MANE Select); coding-DNA position 479, A replaced by T.
Protein change: p.His160Leu; replaces histidine 160 with leucine.
Molecular consequence: missense variant.
Genome position (GRCh38, 1-based): chr17:48,728,115, T>A on the plus strand (A>T on the coding strand, the complement: HOXB13 is on the minus strand). VCF-style: chr17-48728115-T-A. GRCh37 (hg19) VCF-style: chr17-46805477-T-A.
Other names: short protein forms H160L.
Identifiers: ClinVar variation 4724894 (VCV004724894.1).

ClinVar aggregate classification (germline): Uncertain significance (1 of 4 stars; one submission).

Submission:

Labcorp Genetics (formerly Invitae), Labcorp
Classification: Uncertain significance. Last evaluated: 2025-09-04. Review status: criteria provided, single submitter. Criteria: Invitae Variant Classification Sherloc (09022015). Collection method: clinical testing. Allele origin: germline.
Comment: This sequence change replaces histidine, which is basic and polar, with leucine, which is neutral and non-polar, at codon 160 of the HOXB13 protein (p.His160Leu). This variant is not present in population databases (gnomAD no frequency). This variant has not been reported in the literature in individuals affected with HOXB13-related conditions. Invitae Evidence Modeling of protein sequence and biophysical properties (such as structural, functional, and spatial information, amino acid conservation, physicochemical variation, residue mobility, and thermodynamic stability) indicates that this missense variant is not expected to disrupt HOXB13 protein function with a negative predictive value of 80%. In summary, the available evidence is currently insufficient to determine the role of this variant in disease. Therefore, it has been classified as a Variant of Uncertain Significance.